The following is an entry in ClinVar:

NM_198576.4(AGRN):c.4298+54_4298+55dup

Gene: AGRN (agrin; plus strand). Cytogenetic location: 1p36.33.
Variant type: Duplication.
Coding change: c.4298+54_4298+55dup on transcript NM_198576.4 (MANE Select); bases 54 to 55 of the intron after coding-DNA position 4298, 2 bases duplicated (GG; older notation c.4298+54_4298+55dupGG).
Molecular consequence: intron variant.
Genome position (GRCh38, 1-based): chr1:1,049,113-1,049,114, GG duplicated; duplicating any 2 consecutive bases within chr1:1,049,112-1,049,114 gives the same sequence; the c. name uses the placement nearest the transcript's 3' end. VCF-style (leftmost placement, unchanged base first): chr1-1049111-C-CGG. GRCh37 (hg19) VCF-style: chr1-984491-C-CGG.
Other names: c.4298+54_4298+55dup (NM_001305275.2); c.3983+54_3983+55dup (NM_001364727.2).
Identifiers: ClinVar variation 1683831 (VCV001683831.2), dbSNP rs754994713, ClinGen allele CA520618550.

ClinVar aggregate classification (germline): Likely benign (1 of 4 stars; one submission).

Submission:

GeneDx
Classification: Likely benign. Last evaluated: 2021-10-27. Review status: criteria provided, single submitter. Criteria: GeneDx Variant Classification Process June 2021. Collection method: clinical testing. Allele origin: germline. Affected: yes.
Comment: See Variant Classification Assertion Criteria.